The following is an entry in ClinVar:

NM_153252.5(BRWD3):c.4123G>A (p.Val1375Met)

Gene: BRWD3 (bromodomain and WD repeat domain containing 3; minus strand). Cytogenetic location: Xq21.1.
Variant type: single nucleotide variant.
Coding change: c.4123G>A on transcript NM_153252.5 (MANE Select); coding-DNA position 4123, G replaced by A.
Protein change: p.Val1375Met; replaces valine 1375 with methionine.
Molecular consequence: missense variant.
Genome position (GRCh38, 1-based): chrX:80,684,120, C>T on the plus strand (G>A on the coding strand, the complement: BRWD3 is on the minus strand). VCF-style: chrX-80684120-C-T. GRCh37 (hg19) VCF-style: chrX-79939619-C-T.
Other names: short protein forms V1375M.
Identifiers: ClinVar variation 2229527 (VCV002229527.2), dbSNP rs2520215797, ClinGen allele CA413610814.

ClinVar aggregate classification (germline): Uncertain significance (1 of 4 stars; one submission).

Conditions:
Inborn genetic diseases. Identifiers: MedGen C0950123, MeSH D030342.

Submission:

Ambry Genetics
Classification: Uncertain significance for Inborn genetic diseases. Last evaluated: 2021-03-16. Review status: criteria provided, single submitter. Criteria: Ambry Variant Classification Scheme 2023. Collection method: clinical testing. Allele origin: germline.
Comment: The c.4123G>A (p.V1375M) alteration is located in coding exon 37 of the BRWD3 gene. This alteration results from a G to A substitution at nucleotide position 4123, causing the valine (V) at amino acid position 1375 to be replaced by a methionine (M). Based on data from the Genome Aggregation Database (gnomAD), the BRWD3 c.4123G>A alteration was not observed, with coverage at this position. The p.V1375 amino acid is conserved in available vertebrate species. The p.V1375M alteration is predicted to be tolerated by in silico analysis. Based on insufficient or conflicting evidence, the clinical significance of this alteration remains unclear.